The following is an entry in ClinVar:

ClinVar aggregate classification (germline): Uncertain significance (1 of 4 stars; one submission).

Conditions:
Hyper-IgE recurrent infection syndrome 1, autosomal dominant. Also called: HYPER-IgE SYNDROME 1, AUTOSOMAL DOMINANT, WITH RECURRENT INFECTIONS; JOB SYNDROME; Job's Syndrome; STAT3 Hyper IgE Syndrome; Hyper-IgE recurrent infection syndrome 1. Identifiers: Orphanet 2314, MedGen C2936739, MONDO:0007818, OMIM 147060.
STAT3 gain of function. Identifiers: MedGen C4288261.

Allele frequency attached by ClinVar (database versions not stated): gnomAD exomes 0.00001.
gnomAD v4.1: 7 of 1,614,134 alleles (0.00043%); highest among the groups gnomAD compares: Non-Finnish European, 0.00059%; no homozygotes.

Submission:

Labcorp Genetics (formerly Invitae), Labcorp
Classification: Uncertain significance for STAT3 gain of function; Hyper-IgE recurrent infection syndrome 1, autosomal dominant. Last evaluated: 2024-06-05. Review status: criteria provided, single submitter. Criteria: Invitae Variant Classification Sherloc (09022015). Collection method: clinical testing. Allele origin: germline.
Comment: This sequence change replaces proline, which is neutral and non-polar, with leucine, which is neutral and non-polar, at codon 497 of the STAT3 protein (p.Pro497Leu). This variant is not present in population databases (gnomAD no frequency). This variant has not been reported in the literature in individuals affected with STAT3-related conditions. ClinVar contains an entry for this variant (Variation ID: 1919149). Advanced modeling of protein sequence and biophysical properties (such as structural, functional, and spatial information, amino acid conservation, physicochemical variation, residue mobility, and thermodynamic stability) performed at Invitae indicates that this missense variant is expected to disrupt STAT3 protein function with a positive predictive value of 80%. In summary, the available evidence is currently insufficient to determine the role of this variant in disease. Therefore, it has been classified as a Variant of Uncertain Significance.

NM_139276.3(STAT3):c.1490C>T (p.Pro497Leu)

Gene: STAT3 (signal transducer and activator of transcription 3; minus strand). Cytogenetic location: 17q21.2.
Variant type: single nucleotide variant.
Coding change: c.1490C>T on transcript NM_139276.3 (MANE Select); coding-DNA position 1490, C replaced by T.
Protein change: p.Pro497Leu; replaces proline 497 with leucine.
Molecular consequence: missense variant.
Genome position (GRCh38, 1-based): chr17:42,324,821, G>A on the plus strand (C>T on the coding strand, the complement: STAT3 is on the minus strand). VCF-style: chr17-42324821-G-A. GRCh37 (hg19) VCF-style: chr17-40476839-G-A.
Other names: c.1490C>T, p.Pro497Leu (NM_001369512.1, NM_001369513.1, NM_001369514.1 and 10 more transcripts); c.1406C>T, p.Pro469Leu (NM_001384984.1); c.1412C>T, p.Pro471Leu (NM_001384985.1); c.1505C>T, p.Pro502Leu (NM_001384986.1, NM_001384990.1); c.1469C>T, p.Pro490Leu (NM_001384987.1); c.1394C>T, p.Pro465Leu (NM_001384989.1); c.1430C>T, p.Pro477Leu (NM_001384992.1); short protein forms P469L, P477L, P471L, P502L, P465L, P490L, P497L.
Identifiers: ClinVar variation 1919149 (VCV001919149.5), dbSNP rs2509256646, ClinGen allele CA399586758.